The following is an entry in ClinVar:

NM_012082.4(ZFPM2):c.2501A>G (p.Lys834Arg)

Genes: ZFPM2 (zinc finger protein, FOG family member 2; plus strand), ZFPM2-AS1 (ZFPM2 antisense RNA 1; minus strand), LOC126860469 (BRD4-independent group 4 enhancer GRCh37_chr8:106814445-106815644; plus strand). Cytogenetic location: 8q23.1.
Variant type: single nucleotide variant.
Coding change: c.2501A>G on transcript NM_012082.4 (MANE Select); coding-DNA position 2501, A replaced by G.
Protein change: p.Lys834Arg; replaces lysine 834 with arginine.
Molecular consequence: missense variant.
Genome position (GRCh38, 1-based): chr8:105,802,583, A>G. VCF-style: chr8-105802583-A-G. GRCh37 (hg19) VCF-style: chr8-106814811-A-G.
Other names: c.2342A>G, p.Lys781Arg (NM_001362836.2); c.2105A>G, p.Lys702Arg (NM_001362837.2); short protein forms K834R, K781R, K702R.
Identifiers: ClinVar variation 544227 (VCV000544227.18), dbSNP rs113289249, ClinGen allele CA4839918.

ClinVar aggregate classification (germline): Benign. Review status: criteria provided, multiple submitters, no conflicts (2 of 4 stars). 3 submissions from 3 submitters: Benign (2). 1 of the submissions does not count toward it. Last evaluated 2026-01-26.

Conditions:
ZFPM2-related disorder. Also called: ZFPM2-related condition.
46,XY sex reversal 9 (SRXY9). Also called: 46,XY SEX REVERSAL, ZFPM2-RELATED. Identifiers: Orphanet 251510, MedGen C4015129, MONDO:0014480, OMIM 616067.

Allele frequency attached by ClinVar (database versions not stated): gnomAD exomes 0.00019 and 0.00051; ExAC 0.00072; 1000 Genomes Project 30x 0.00156; 1000 Genomes Project 0.00180; gnomAD 0.00222 and 0.00241; ESP Exome Variant Server 0.00253; TOPMed 0.00265.
gnomAD v4.1: 644 of 1,610,908 alleles (0.04%); highest among the groups gnomAD compares: African/African-American, 0.75%; 1 homozygote.

Submissions (3):

Labcorp Genetics (formerly Invitae), Labcorp
Classification: Benign for 46,XY sex reversal 9. Last evaluated: 2026-01-26. Review status: criteria provided, single submitter. Criteria: Invitae Variant Classification Sherloc (09022015). Collection method: clinical testing. Allele origin: germline.

Genetic Services Laboratory, University of Chicago
Classification: Benign. Last evaluated: 2021-11-15. Review status: criteria provided, single submitter. Criteria: ACMG Guidelines, 2015. Collection method: clinical testing. Allele origin: germline. Affected: no.

PreventionGenetics, part of Exact Sciences
Classification: Likely benign for ZFPM2-related condition. Last evaluated: 2020-02-05. Review status: no assertion criteria provided. Collection method: clinical testing. Allele origin: germline. Not counted in ClinVar's aggregate classification.
Comment: This variant is classified as likely benign based on ACMG/AMP sequence variant interpretation guidelines (Richards et al. 2015 PMID: 25741868, with internal and published modifications).